The following is an entry in ClinVar:

NM_031229.4(RBCK1):c.1408A>G (p.Thr470Ala)

Gene: RBCK1 (RANBP2-type and C3HC4-type zinc finger containing 1; plus strand). Cytogenetic location: 20p13.
Variant type: single nucleotide variant.
Coding change: c.1408A>G on transcript NM_031229.4 (MANE Select); coding-DNA position 1408, A replaced by G.
Protein change: p.Thr470Ala; replaces threonine 470 with alanine.
Molecular consequence: missense variant. On other transcripts: non-coding transcript variant (1).
Genome position (GRCh38, 1-based): chr20:429,050, A>G. VCF-style: chr20-429050-A-G. GRCh37 (hg19) VCF-style: chr20-409694-A-G.
Other names: c.898A>G, p.Thr300Ala (NM_001323956.2, NM_001323958.2); c.1459A>G, p.Thr487Ala (NM_001410770.1); c.1282A>G, p.Thr428Ala (NM_006462.6); short protein forms T428A, T470A, T487A, T300A.
Identifiers: ClinVar variation 2130902 (VCV002130902.4), dbSNP rs762696336, ClinGen allele CA9723370.
Genomic context (GRCh38, chr20:429,050, plus strand): 5'-TGCCAGATCGTGGTACAGAAGAAGGACGGCTGCGACTGGATCCGCTGCACCGTCTGCCAC[A>G]CCGAGATCTGCTGGGTCACCAAGGGCCCACGCTGGGGCCCTGGGGTGAGTCTTTGCTCGT-3'
Protein context (NP_112506.2, residues 460-480): CDWIRCTVCH[Thr470Ala]EICWVTKGPR

ClinVar aggregate classification (germline): Uncertain significance (1 of 4 stars; one submission).

Conditions:
Polyglucosan body myopathy type 1 (PGBM1). Also called: Polyglucosan body myopathy 1 with or without immunodeficiency; POLYGLUCOSAN BODY MYOPATHY WITHOUT IMMUNODEFICIENCY. Identifiers: Orphanet 329173, Orphanet 397937, MedGen C4014605, MONDO:0014389, OMIM 615895.

Allele frequency attached by ClinVar (database versions not stated): gnomAD exomes below 0.00001; TOPMed below 0.00001; ExAC 0.00001; gnomAD 0.00001.
gnomAD v4.1: 2 of 1,612,870 alleles (0.00012%); highest among the groups gnomAD compares: South Asian, 0.0022%; no homozygotes.

Submission:

Labcorp Genetics (formerly Invitae), Labcorp
Classification: Uncertain significance for Polyglucosan body myopathy type 1. Last evaluated: 2022-04-26. Review status: criteria provided, single submitter. Criteria: Invitae Variant Classification Sherloc (09022015). Collection method: clinical testing. Allele origin: germline.
Comment: This variant is present in population databases (rs762696336, gnomAD 0.003%). This variant has not been reported in the literature in individuals affected with RBCK1-related conditions. Algorithms developed to predict the effect of missense changes on protein structure and function are either unavailable or do not agree on the potential impact of this missense change (SIFT: "Not Available"; PolyPhen-2: "Benign"; Align-GVGD: "Not Available"). In summary, the available evidence is currently insufficient to determine the role of this variant in disease. Therefore, it has been classified as a Variant of Uncertain Significance. This sequence change replaces threonine, which is neutral and polar, with alanine, which is neutral and non-polar, at codon 470 of the RBCK1 protein (p.Thr470Ala).